The following is an entry in ClinVar:

ClinVar aggregate classification (germline): Likely pathogenic (1 of 4 stars; one submission).

Conditions:
Nephronophthisis. Also called: Juvenile Nephronophthisis. Identifiers: Orphanet 655, MedGen C0687120, MONDO:0019005, HP:0000090.
Meckel-Gruber syndrome. Also called: DYSENCEPHALIA SPLANCHNOCYSTICA; GRUBER SYNDROME; Dysencephalia splachnocystica. Identifiers: Orphanet 564, MedGen C0265215, MONDO:0018921.
Joubert syndrome. Also called: CEREBELLOPARENCHYMAL DISORDER IV; JOUBERT-BOLTSHAUSER SYNDROME; Familial aplasia of the vermis. Identifiers: Orphanet 475, MedGen C5979921, MONDO:0018772.

Submission:

Labcorp Genetics (formerly Invitae), Labcorp
Classification: Likely pathogenic for Joubert syndrome; Meckel-Gruber syndrome; Nephronophthisis. Last evaluated: 2021-09-04. Review status: criteria provided, single submitter. Criteria: Invitae Variant Classification Sherloc (09022015). Collection method: clinical testing. Allele origin: germline.
Comment: This sequence change affects a donor splice site in intron 32 of the CEP290 gene. It is expected to disrupt RNA splicing. Variants that disrupt the donor or acceptor splice site typically lead to a loss of protein function (PMID: 16199547), and loss-of-function variants in CEP290 are known to be pathogenic (PMID: 16909394, 17345604, 20690115). The frequency data for this variant in the population databases is considered unreliable, as metrics indicate insufficient coverage at this position in the ExAC database. This variant has not been reported in the literature in individuals affected with CEP290-related conditions. Algorithms developed to predict the effect of sequence changes on RNA splicing suggest that this variant may disrupt the consensus splice site. In summary, the currently available evidence indicates that the variant is pathogenic, but additional data are needed to prove that conclusively. Therefore, this variant has been classified as Likely Pathogenic.

Literature cited by the submitters: PubMed 16199547; PubMed 16909394; PubMed 17345604; PubMed 20690115.

NM_025114.4(CEP290):c.4194+2T>A

Gene: CEP290 (centrosomal protein 290; minus strand). Cytogenetic location: 12q21.32.
Variant type: single nucleotide variant.
Coding change: c.4194+2T>A on transcript NM_025114.4 (MANE Select); the canonical splice donor site of the intron after coding-DNA position 4194, T replaced by A.
Molecular consequence: splice donor variant.
Genome position (GRCh38, 1-based): chr12:88,087,778, A>T on the plus strand (T>A on the coding strand, the complement: CEP290 is on the minus strand). VCF-style: chr12-88087778-A-T. GRCh37 (hg19) VCF-style: chr12-88481555-A-T.
Identifiers: ClinVar variation 1487578 (VCV001487578.6), dbSNP rs2137247685, ClinGen allele CA385998799.